The following is an entry in ClinVar:

ClinVar aggregate classification (germline): Uncertain significance. Review status: criteria provided, multiple submitters, no conflicts (2 of 4 stars). 2 submissions from 2 submitters: Uncertain significance (2). Last evaluated 2025-11-04.

Conditions:
Bethlem myopathy 1A. Also called: MYOPATHY, BENIGN CONGENITAL, WITH CONTRACTURES; Bethlem myopathy 1; Bethlem Muscular Dystrophy. Identifiers: Orphanet 610, MedGen CN029274, MONDO:0024530, OMIM 158810.

Allele frequency attached by ClinVar (database versions not stated): gnomAD exomes below 0.00001; TOPMed below 0.00001; ESP Exome Variant Server 0.00008.
gnomAD v4.1: 2 of 1,613,204 alleles (0.00012%); highest among the groups gnomAD compares: Non-Finnish European, 0.00017%; no homozygotes.

Submissions (2):

Labcorp Genetics (formerly Invitae), Labcorp
Classification: Uncertain significance for Bethlem myopathy 1A. Last evaluated: 2025-11-04. Review status: criteria provided, single submitter. Criteria: Invitae Variant Classification Sherloc (09022015). Collection method: clinical testing. Allele origin: germline.
Comment: This sequence change replaces valine, which is neutral and non-polar, with methionine, which is neutral and non-polar, at codon 90 of the COL6A2 protein (p.Val90Met). This variant is present in population databases (rs144855400, gnomAD 0.0009%). This variant has not been reported in the literature in individuals affected with COL6A2-related conditions. ClinVar contains an entry for this variant (Variation ID: 1991919). Invitae Evidence Modeling of protein sequence and biophysical properties (such as structural, functional, and spatial information, amino acid conservation, physicochemical variation, residue mobility, and thermodynamic stability) has been performed for this missense variant. However, the output from this modeling did not meet the statistical confidence thresholds required to predict the impact of this variant on COL6A2 protein function. In summary, the available evidence is currently insufficient to determine the role of this variant in disease. Therefore, it has been classified as a Variant of Uncertain Significance.

Revvity Omics, Revvity
Classification: Uncertain significance. Last evaluated: 2020-10-13. Review status: criteria provided, single submitter. Criteria: ACMG Guidelines, 2015. Collection method: clinical testing. Allele origin: germline.

NM_001849.4(COL6A2):c.268G>A (p.Val90Met)

Gene: COL6A2 (collagen type VI alpha 2 chain; plus strand). Cytogenetic location: 21q22.3.
Variant type: single nucleotide variant.
Coding change: c.268G>A on transcript NM_001849.4 (MANE Select); coding-DNA position 268, G replaced by A.
Protein change: p.Val90Met; replaces valine 90 with methionine.
Molecular consequence: missense variant.
Genome position (GRCh38, 1-based): chr21:46,112,131, G>A. VCF-style: chr21-46112131-G-A. GRCh37 (hg19) VCF-style: chr21-47532045-G-A.
Other names: c.268G>A, p.Val90Met (NM_058174.3, NM_058175.3); short protein forms V90M.
Identifiers: ClinVar variation 1991919 (VCV001991919.7), dbSNP rs144855400, ClinGen allele CA10071249.